The following is an entry in ClinVar:

ClinVar aggregate classification (germline): Likely benign. Review status: criteria provided, multiple submitters, no conflicts (2 of 4 stars). 2 submissions from 2 submitters: Likely benign (2). Last evaluated 2026-06-25.

Conditions:
CHD7-related disorder. Also called: CHD7-related condition.

gnomAD v4.1: 1 of 1,607,892 alleles (0.000062%); highest among the groups gnomAD compares: South Asian, 0.0011%; no homozygotes.

Submissions (2):

PreventionGenetics, part of Exact Sciences
Classification: Likely benign for CHD7-related condition. Last evaluated: 2026-06-25. Review status: criteria provided, single submitter. Criteria: ACMG Guidelines, 2015. Collection method: clinical testing. Allele origin: germline.
Comment: This variant is classified as likely benign based on ACMG/AMP sequence variant interpretation guidelines (Richards et al. 2015 PMID: 25741868, with internal and published modifications).

Labcorp Genetics (formerly Invitae), Labcorp
Classification: Likely benign. Last evaluated: 2018-06-27. Review status: criteria provided, single submitter. Criteria: Invitae Variant Classification Sherloc (09022015). Collection method: clinical testing. Allele origin: germline.

NM_017780.4(CHD7):c.8961G>A (p.Gly2987=)

Gene: CHD7 (chromodomain helicase DNA binding protein 7; plus strand). Cytogenetic location: 8q12.2.
Variant type: single nucleotide variant.
Coding change: c.8961G>A on transcript NM_017780.4 (MANE Select); coding-DNA position 8961, G replaced by A.
Protein change: p.Gly2987=; no amino-acid change (glycine 2987 retained).
Molecular consequence: synonymous variant.
Genome position (GRCh38, 1-based): chr8:60,865,900, G>A. VCF-style: chr8-60865900-G-A. GRCh37 (hg19) VCF-style: chr8-61778459-G-A.
Other names: c.2814G>A, p.Gly938= (NM_001316690.1).
Identifiers: ClinVar variation 783270 (VCV000783270.4), dbSNP rs1586469564, ClinGen allele CA461106295.